The following is an entry in ClinVar:

NM_000448.3(RAG1):c.1174G>A (p.Gly392Arg)

Gene: RAG1 (recombination activating 1; plus strand). Cytogenetic location: 11p12.
Variant type: single nucleotide variant.
Coding change: c.1174G>A on transcript NM_000448.3 (MANE Select); coding-DNA position 1174, G replaced by A.
Protein change: p.Gly392Arg; replaces glycine 392 with arginine.
Molecular consequence: missense variant.
Genome position (GRCh38, 1-based): chr11:36,574,478, G>A. VCF-style: chr11-36574478-G-A. GRCh37 (hg19) VCF-style: chr11-36596028-G-A.
Other names: c.1174G>A, p.Gly392Arg (NM_001377277.1, NM_001377278.1, NM_001377279.1 and 3 more transcripts); short protein forms G392R.
Identifiers: ClinVar variation 4850474 (VCV004850474.1).

ClinVar aggregate classification (germline): Likely pathogenic (1 of 4 stars; one submission).

Conditions:
Histiocytic medullary reticulosis. Also called: SEVERE COMBINED IMMUNODEFICIENCY WITH HYPEREOSINOPHILIA; Omenn syndrome. Identifiers: Orphanet 39041, MedGen C2700553, MONDO:0011338, OMIM 603554.
Combined immunodeficiency with skin granulomas. Identifiers: Orphanet 157949, MedGen C2673536, MONDO:0009306, OMIM 233650.
Severe combined immunodeficiency, autosomal recessive, T cell-negative, B cell-negative, NK cell-positive. Also called: SCID, AR, T-cell negative, B-cell negative, NK cell-positive; Severe combined immunodeficiency due to complete RAG1/2 deficiency; SCID, T CELL-NEGATIVE, B CELL-NEGATIVE, NK CELL-POSITIVE. Identifiers: Orphanet 331206, MedGen C1832322, MONDO:0011086, OMIM 601457.

Submission:

First Genomix Gene Laboratory, Genetic Diagnostics Department
Classification: Likely pathogenic for Combined immunodeficiency with skin granulomas; Histiocytic medullary reticulosis; Severe combined immunodeficiency, autosomal recessive, T cell-negative, B cell-negative, NK cell-positive. Last evaluated: 2025-08-22. Review status: criteria provided, single submitter. Criteria: ACMG Guidelines, 2015. Collection method: clinical testing. Allele origin: germline. Inheritance: Autosomal recessive inheritance. Affected: no. Observed: 1 variant allele.